The following is an entry in ClinVar:

ClinVar aggregate classification (germline): Conflicting classifications of pathogenicity. Review status: criteria provided, conflicting classifications (1 of 4 stars). 4 submissions from 4 submitters: Likely pathogenic (1); Uncertain significance (1); Benign (1). 1 of the submissions does not count toward it. Last evaluated 2025-08-20.

Conditions:
IDS-related disorder. Also called: IDS-related condition.
Mucopolysaccharidosis, MPS-II (MPS2). Also called: IDS deficiency; Sulfoiduronate sulfatase deficiency; SIDS deficiency; Mucopolysaccharidosis with skin involvement; Attenuated MPS (subtype; formerly known as mild MPS II); Severe MPS II. Identifiers: Orphanet 580, Orphanet 79388, MedGen C0026705, MONDO:0010674, OMIM 309900.
Mucopolysaccharidosis, MPS-III-A (MPS3A). Also called: MUCOPOLYSACCHARIDOSIS, TYPE IIIA, ATTENUATED; HEPARAN SULFATE SULFATASE DEFICIENCY; SANFILIPPO SYNDROME A; SULFAMIDASE DEFICIENCY; Mucopolysaccharidosis, type IIIA; MPS III A. Identifiers: Orphanet 581, Orphanet 79269, MedGen C0086647, MONDO:0009655, OMIM 252900.

Allele frequency attached by ClinVar (database versions not stated): gnomAD exomes 0.00023 and 0.00008; gnomAD 0.00011 and 0.00010; 1000 Genomes Project 0.00026; 1000 Genomes Project 30x 0.00021; ExAC 0.00007; TOPMed 0.00009.
gnomAD v4.1: 263 of 1,208,556 alleles (0.022%); highest among the groups gnomAD compares: Non-Finnish European, 0.028%; no homozygotes.

Submissions (4):

PreventionGenetics, part of Exact Sciences
Classification: Uncertain significance for IDS-related condition. Last evaluated: 2025-08-20. Review status: criteria provided, single submitter. Criteria: ACMG Guidelines, 2015. Collection method: clinical testing. Allele origin: germline.
Comment: The IDS c.881G>A variant is predicted to result in the amino acid substitution p.Arg294Gln. This variant was reported in an individual with Mucopolysaccharidosis II on the same allele as pathogenic IDS p.Arg88His variant (Froissart et al. 2007. PubMed ID: 17391447). This variant is reported in 0.014% of alleles in individuals of European (Non-Finnish) descent in gnomAD. Although we suspect that this variant may be benign, at this time, the clinical significance of this variant is uncertain due to the absence of conclusive functional and genetic evidence.

Labcorp Genetics (formerly Invitae), Labcorp
Classification: Benign for Mucopolysaccharidosis, MPS-II. Last evaluated: 2025-07-08. Review status: criteria provided, single submitter. Criteria: Invitae Variant Classification Sherloc (09022015). Collection method: clinical testing. Allele origin: germline.

Laboratory of Diagnosis and Therapy of Lysosomal Disorders, University of Padova
Classification: Likely pathogenic for Mucopolysaccharidosis, MPS-II. Last evaluated: 2024-06-07. Review status: criteria provided, single submitter. Criteria: ACMG Guidelines, 2015. Collection method: literature only. Allele origin: germline. Affected: yes. Observed: 1 variant allele.
Comment: Absent from controls (or at low frequency) in gnomAD database (PM2_Moderate), Missense variant in a gene with a low rate of benign missense variation (PP2_Supporting), Patient’s phenotype or family history highly specific for the disease (PP4_Strong), Multiple lines of computational evidence suggest no impact on gene or gene product (BP4_Supporting)

Classification method: ACMG Guidelines [PMID:25741868] with modifications

Natera, Inc.
Classification: Likely benign for Mucopolysaccharidosis type IIIA. Last evaluated: 2020-02-18. Review status: no assertion criteria provided. Collection method: clinical testing. Allele origin: germline. Not counted in ClinVar's aggregate classification.

Literature cited by the submitters: PubMed 17391447 (cited by Laboratory of Diagnosis and Therapy of Lysosomal Disorders, University of Padova).

NM_000202.8(IDS):c.881G>A (p.Arg294Gln)

Genes: IDS (iduronate 2-sulfatase; minus strand), LOC106050102 (IDS recombination region; plus strand). Cytogenetic location: Xq28.
Variant type: single nucleotide variant.
Coding change: c.881G>A on transcript NM_000202.8 (MANE Select); coding-DNA position 881, G replaced by A.
Protein change: p.Arg294Gln; replaces arginine 294 with glutamine.
Molecular consequence: missense variant. On other transcripts: non-coding transcript variant (1).
Genome position (GRCh38, 1-based): chrX:149,490,439, C>T on the plus strand (G>A on the coding strand, the complement: IDS is on the minus strand). VCF-style: chrX-149490439-C-T. GRCh37 (hg19) VCF-style: chrX-148571970-C-T.
Other names: c.611G>A, p.Arg204Gln (NM_001166550.4); c.881G>A, p.Arg294Gln (NM_006123.5); c.881G>A (NM_000202.7); short protein forms R204Q, R294Q.
Identifiers: ClinVar variation 767325 (VCV000767325.15), dbSNP rs782445506, ClinGen allele CA10537553.